The following is an entry in ClinVar:

ClinVar aggregate classification (germline): Likely pathogenic (1 of 4 stars; one submission).

Conditions:
Endometrial carcinoma. Also called: Endometrial carcinoma, somatic. Identifiers: MedGen C0476089, MONDO:0002447, OMIM 608089, HP:0012114.
Lynch syndrome 5 (LYNCH5). Also called: Colorectal cancer, hereditary nonpolyposis, type 5; Hereditary non-polyposis colorectal cancer, type 5. Identifiers: Orphanet 144, MedGen C1833477, MONDO:0013710, OMIM 614350. Disease mechanism: loss of function.
Mismatch repair cancer syndrome 3. Identifiers: MedGen C5436807, MONDO:0030841, OMIM 619097.

Submission:

Juno Genomics, Hangzhou Juno Genomics, Inc
Classification: Likely pathogenic for Lynch syndrome 5; Endometrial carcinoma; Mismatch repair cancer syndrome 3. Review status: criteria provided, single submitter. Criteria: ACMG Guidelines, 2015. Collection method: clinical testing. Allele origin: germline.
Comment: Absent from controls (or at extremely low frequency if recessive) in Genome Aggregation Database.;Null variant in a gene where loss of function (LOF) is a known mechanism of disease.

NM_000179.3(MSH6):c.3850_3860del (p.Ile1283_Thr1284insTer)

Gene: MSH6 (mutS homolog 6; plus strand). Cytogenetic location: 2p16.3.
Variant type: Deletion.
Coding change: c.3850_3860del on transcript NM_000179.3 (MANE Select); coding-DNA positions 3850 to 3860, 11 bases deleted (ACGTTCCTCTA).
Protein change: p.Ile1283_Thr1284insTer.
Molecular consequence: nonsense. On other transcripts: non-coding transcript variant (5), intron variant (1), frameshift variant (1).
Genome position (GRCh38, 1-based): chr2:47,806,500-47,806,510, ACGTTCCTCTA deleted. VCF-style (leftmost placement, unchanged base first): chr2-47806499-TACGTTCCTCTA-T. GRCh37 (hg19) VCF-style: chr2-48033638-TACGTTCCTCTA-T.
Other names: c.3553_3563del, p.Ile1184_Thr1185insTer (NM_001406818.1, NM_001406819.1, NM_001406820.1 and 10 more transcripts); c.2944_2954del, p.Ile981_Thr982insTer (NM_001406823.1, NM_001406829.1, NM_001281493.2 and 6 more transcripts); c.3682_3692del, p.Ile1227_Thr1228insTer (NM_001406826.1); c.631_641del, p.Ile210_Thr211insTer (NM_001406831.1); c.697_707del, p.Ile232_Thr233insTer (NM_001406832.1); c.1795_1805del, p.Ile598_Thr599insTer (NM_001407362.1); c.3897+142_3897+152del (NM_001406802.1); c.3460_3470del, p.Ile1153_Thr1154insTer (NM_001281492.2); and 9 more; short protein forms L1279fs.
Identifiers: ClinVar variation 3382298 (VCV003382298.3).